The following is an entry in ClinVar:

ClinVar aggregate classification (germline): Pathogenic/Likely pathogenic. Review status: criteria provided, multiple submitters, no conflicts (2 of 4 stars). 2 submissions from 2 submitters: Pathogenic (1); Likely pathogenic (1). Last evaluated 2022-04-21.

Conditions:
Primary ciliary dyskinesia 32. Also called: CILIARY DYSKINESIA, PRIMARY, 32, WITHOUT SITUS INVERSUS. Identifiers: Orphanet 244, MedGen C4225311, MONDO:0014657, OMIM 616481.

Submissions (2):

Labcorp Genetics (formerly Invitae), Labcorp
Classification: Pathogenic for Primary ciliary dyskinesia 32. Last evaluated: 2022-04-21. Review status: criteria provided, single submitter. Criteria: Invitae Variant Classification Sherloc (09022015). Collection method: clinical testing. Allele origin: germline.
Comment: For these reasons, this variant has been classified as Pathogenic. ClinVar contains an entry for this variant (Variation ID: 1301790). This variant has not been reported in the literature in individuals affected with RSPH3-related conditions. This variant is present in population databases (rs751193355, gnomAD 0.01%). This sequence change creates a premature translational stop signal (p.Asp57Argfs*34) in the RSPH3 gene. It is expected to result in an absent or disrupted protein product. Loss-of-function variants in RSPH3 are known to be pathogenic (PMID: 26073779).

Dubai Health Genomic Medicine Center, Dubai Health
Classification: Likely pathogenic for Primary ciliary dyskinesia 32. Last evaluated: 2020-03-19. Review status: criteria provided, single submitter. Criteria: ACMG Guidelines, 2015. Collection method: clinical testing. Allele origin: germline. Affected: yes.
Comment: The p.Asp57fs variant in RSPH3 has not been previously reported in individuals with disease but was observed in 4/30540 (0.0131% 0 homozygotes) South Asian alleles in the Genome Aggregation Database (gnomAD). This frameshift variant is predicted to alter the protein's amino acid sequence beginning at position 57 and lead to a premature termination codon 34 amino acids downstream. This alteration which impacts all known RSPH3 transcripts is then predicted to lead to a truncated or absent protein. In summary this variant meets our criteria to be classified as likely pathogenic. Bi-Allelic LOF variants in RSPH3 are reported to be associated with Primary ciliary dyskinesia with central complex defects.

Literature cited by the submitters: PubMed 26073779 (cited by Labcorp Genetics (formerly Invitae), Labcorp).

NM_031924.8(RSPH3):c.-260dup

Gene: RSPH3 (radial spoke head 3; minus strand). Cytogenetic location: 6q25.3.
Variant type: Duplication.
Coding change: c.-260dup on transcript NM_031924.8 (MANE Select); 260 bases upstream of the start codon, one base duplicated (C; older notation c.-260dupC).
Molecular consequence: 5 prime UTR variant. On other transcripts: frameshift variant (1), non-coding transcript variant (1).
Genome position (GRCh38, 1-based): chr6:158,999,810, G duplicated on the plus strand (C on the coding strand, the reverse complement: RSPH3 is on the minus strand); the first of 5 consecutive G bases (chr6:158,999,810-158,999,814); duplicating any one gives the same sequence. VCF-style (leftmost placement, unchanged base first): chr6-158999809-T-TG. GRCh37 (hg19) VCF-style: chr6-159420841-T-TG.
Other names: c.167dup, p.Asp57fs (NM_001346418.1); short protein forms D57fs.
Identifiers: ClinVar variation 1301790 (VCV001301790.7), dbSNP rs751193355, ClinGen allele CA4076089.